The following is an entry in ClinVar:

NM_015346.4(ZFYVE26):c.6011+1del

Gene: ZFYVE26 (zinc finger FYVE-type containing 26; minus strand). Cytogenetic location: 14q24.1.
Variant type: Deletion.
Coding change: c.6011+1del on transcript NM_015346.4 (MANE Select); the canonical splice donor site of the intron after coding-DNA position 6011, one base deleted (G; older notation c.6011+1delG).
Molecular consequence: splice donor variant.
Genome position (GRCh38, 1-based): chr14:67,766,226, C deleted on the plus strand (G on the coding strand, the reverse complement: ZFYVE26 is on the minus strand); the first of 2 consecutive C bases (chr14:67,766,226-67,766,227); deleting either gives the same sequence. VCF-style (leftmost placement, unchanged base first): chr14-67766225-AC-A. GRCh37 (hg19) VCF-style: chr14-68232942-AC-A.
Identifiers: ClinVar variation 1070930 (VCV001070930.8), dbSNP rs2140199204, ClinGen allele CA2499222697.

ClinVar aggregate classification (germline): Pathogenic (1 of 4 stars; one submission).

Conditions:
Spastic paraplegia. Identifiers: MedGen C0037772, HP:0001258.

Submission:

Labcorp Genetics (formerly Invitae), Labcorp
Classification: Pathogenic for Spastic paraplegia. Last evaluated: 2020-02-13. Review status: criteria provided, single submitter. Criteria: Invitae Variant Classification Sherloc (09022015). Collection method: clinical testing. Allele origin: germline.
Comment: For these reasons, this variant has been classified as Pathogenic. Loss-of-function variants in ZFYVE26 are known to be pathogenic (PMID: 18394578, 19805727). Algorithms developed to predict the effect of sequence changes on RNA splicing suggest that this variant may disrupt the consensus splice site, but this prediction has not been confirmed by published transcriptional studies. This variant has not been reported in the literature in individuals with ZFYVE26-related conditions. This variant is not present in population databases (ExAC no frequency). This sequence change creates a premature translational stop signal (p.?) in the ZFYVE26 gene. It is expected to result in an absent or disrupted protein product.

Literature cited by the submitters: PubMed 18394578; PubMed 19805727.